The following is an entry in ClinVar:

ClinVar aggregate classification (germline): Likely pathogenic (1 of 4 stars; one submission).

Submission:

GeneDx
Classification: Likely pathogenic. Last evaluated: 2017-03-07. Review status: criteria provided, single submitter. Criteria: GeneDx Variant Classification (06012015). Collection method: clinical testing. Allele origin: germline. Affected: yes.
Comment: The c.125dupG variant in the PRKAR1A gene has not been published as a pathogenic variant, nor has it been reported as a benign variant to our knowledge. This duplication causes a frameshift starting with codon Proline 43, changes this amino acid to a Threonine residue and creates a premature Stop codon at position 2 of the new reading frame, denoted p.Pro43ThrfsX2. This variant is predicted to cause loss of normal protein function either through protein truncation or nonsense-mediated mRNA decay. Based on currently available evidence, c.125dupG is a strong candidate for a pathogenic variant. However, the possibility it is a rare benign variant cannot be excluded.

NM_002734.5(PRKAR1A):c.125dup (p.Pro43fs)

Gene: PRKAR1A (protein kinase cAMP-dependent type I regulatory subunit alpha; plus strand). Cytogenetic location: 17q24.2.
Variant type: Duplication.
Coding change: c.125dup on transcript NM_002734.5 (MANE Select); coding-DNA position 125, one base duplicated (G; older notation c.125dupG).
Protein change: p.Pro43fs; shifts the reading frame from proline 43.
Molecular consequence: frameshift variant.
Genome position (GRCh38, 1-based): chr17:68,515,524, G duplicated. VCF-style (leftmost placement, unchanged base first): chr17-68515523-C-CG. GRCh37 (hg19) VCF-style: chr17-66511664-C-CG.
Other names: c.125dup, p.Pro43fs (NM_001276289.2, NM_001276290.1, NM_001278433.2 and 4 more transcripts); short protein forms P43fs.
Identifiers: ClinVar variation 424266 (VCV000424266.2), dbSNP rs1555811735, ClinGen allele CA16620590.